The following is an entry in ClinVar:

NM_014738.6(TMEM94):c.495_496dup (p.His166fs)

Gene: TMEM94 (transmembrane protein 94; plus strand). Cytogenetic location: 17q25.1.
Variant type: Duplication.
Coding change: c.495_496dup on transcript NM_014738.6 (MANE Select); coding-DNA positions 495 to 496, 2 bases duplicated (GC; older notation c.495_496dupGC).
Protein change: p.His166fs; shifts the reading frame from histidine 166.
Molecular consequence: frameshift variant.
Genome position (GRCh38, 1-based): chr17:75,488,017-75,488,018, GC duplicated. VCF-style (leftmost placement, unchanged base first): chr17-75488016-T-TGC. GRCh37 (hg19) VCF-style: chr17-73484097-T-TGC.
Other names: c.525_526dup, p.His176fs (NM_001321148.2, NM_001351203.2); c.495_496dup, p.His166fs (NM_001321149.2, NM_001351202.2); short protein forms H166fs, H176fs.
Identifiers: ClinVar variation 817873 (VCV000817873.1), dbSNP rs1598394988, ClinGen allele CA915952244.

ClinVar aggregate classification (germline): Pathogenic (1 of 4 stars; one submission).

Submission:

GeneDx
Classification: Pathogenic. Last evaluated: 2018-10-09. Review status: criteria provided, single submitter. Criteria: GeneDx Variant Classification (06012015). Collection method: clinical testing. Allele origin: germline. Affected: yes.
Comment: The c.495_496dupGC variant in the TMEM94 gene has not been reported previously as a pathogenic variant nor as a benign variant, to our knowledge. The c.495_496dupGC variant causes a frameshift starting with codon Histidine 166, changes this amino acid to an Arginine residue, and creates a premature Stop codon at position 24 of the new reading frame, denoted p.His166ArgfsX24. This variant is predicted to cause loss of normal protein function either through protein truncation or nonsense-mediated mRNA decay. The c.495_496dupGC variant is not observed in large population cohorts (Lek et al., 2016). We interpret c.495_496dupGC as a pathogenic variant.